The following is an entry in ClinVar:

ClinVar aggregate classification (germline): Benign/Likely benign. Review status: criteria provided, multiple submitters, no conflicts (2 of 4 stars). 17 submissions from 17 submitters: Benign (11); Likely benign (2). 4 of the submissions do not count toward it. Last evaluated 2026-02-04.

Conditions:
Schizophrenia (SCZD). Identifiers: MedGen C0036341, MeSH D012559, MONDO:0005090, OMIM 181500, HP:0100753.
TH-deficient dopa-responsive dystonia. Also called: Tyrosine Hydroxylase-Deficient Dopa-Responsive Dystonia; DYT-TH; Segawa syndrome, autosomal recessive. Identifiers: Orphanet 101150, MedGen C2673535, MONDO:0011551, OMIM 605407.

Allele frequency attached by ClinVar (database versions not stated): gnomAD exomes 0.42865 and 0.38575; 1000 Genomes Project 0.43051; ESP Exome Variant Server 0.28800; ExAC 0.42490; gnomAD 0.31555 and 0.33151; 1000 Genomes Project 30x 0.41927; TOPMed 0.32078.
gnomAD v4.1: 615,084 of 1,612,890 alleles (38%); highest among the groups gnomAD compares: East Asian, 75%; 124,968 homozygotes.

Submissions (17):

Labcorp Genetics (formerly Invitae), Labcorp
Classification: Benign for TH-deficient dopa-responsive dystonia. Last evaluated: 2026-02-04. Review status: criteria provided, single submitter. Criteria: Invitae Variant Classification Sherloc (09022015). Collection method: clinical testing. Allele origin: germline.

Blueprint Genetics
Classification: Benign. Last evaluated: 2024-11-27. Review status: criteria provided, single submitter. Criteria: ACMG Guidelines, 2015. Collection method: clinical testing. Allele origin: germline.

Unidad de Genómica Garrahan, Hospital de Pediatría Garrahan
Classification: Benign. Last evaluated: 2024-07-31. Review status: criteria provided, single submitter. Criteria: ACMG Guidelines, 2015. Collection method: clinical testing. Allele origin: germline. Affected: no. Observed: 66 variant alleles.
Comment: This variant is classified as Benign based on local population frequency. This variant was detected in 71% of patients studied in a panel designed for Epileptic and Developmental Encephalopathy, Progressive Myoclonus Epilepsy and Abnormal Movements and Neurodegeneration with brain iron accumulation. Number of patients: 66. Only high quality variants are reported.

Mayo Clinic Laboratories, Mayo Clinic
Classification: Benign. Last evaluated: 2024-02-09. Review status: criteria provided, single submitter. Criteria: ACMG Guidelines, 2015. Collection method: clinical testing. Allele origin: germline. Observed: 407 variant alleles.
Comment: BA1, BS2, BP4

Women's Health and Genetics/Laboratory Corporation of America, LabCorp
Classification: Likely benign. Last evaluated: 2021-12-03. Review status: criteria provided, single submitter. Criteria: LabCorp Variant Classification Summary - May 2015. Collection method: clinical testing. Allele origin: germline.

Genome-Nilou Lab
Classification: Benign for TH-deficient dopa-responsive dystonia. Last evaluated: 2021-07-10. Review status: criteria provided, single submitter. Criteria: ACMG Guidelines, 2015. Collection method: clinical testing. Allele origin: germline. Affected: no.

Illumina Laboratory Services, Illumina
Classification: Benign for TH-deficient dopa-responsive dystonia. Last evaluated: 2018-01-12. Review status: criteria provided, single submitter. Criteria: ICSL Variant Classification Criteria 13 December 2019. Collection method: clinical testing. Allele origin: germline.
Comment: This variant was observed in the ICSL laboratory as part of a predisposition screen in an ostensibly healthy population. It had not been previously curated by ICSL or reported in the Human Gene Mutation Database (HGMD: prior to June 1st, 2018), and was therefore a candidate for classification through an automated scoring system. Utilizing variant allele frequency, disease prevalence and penetrance estimates, and inheritance mode, an automated score was calculated to assess if this variant is too frequent to cause the disease. Based on the score and internal cut-off values, a variant classified as benign is not then subjected to further curation. The score for this variant resulted in a classification of benign for this disease.

Athena Diagnostics
Classification: Benign. Last evaluated: 2017-04-14. Review status: criteria provided, single submitter. Criteria: Athena Diagnostics Criteria. Collection method: clinical testing. Allele origin: germline.

Clinical Genetics DNA and cytogenetics Diagnostics Lab, Erasmus MC, Erasmus Medical Center
Classification: Benign for TH-deficient dopa-responsive dystonia. Last evaluated: 2015-09-21. Review status: criteria provided, single submitter. Criteria: ACGS Guidelines, 2013. Collection method: clinical testing. Allele origin: germline. Affected: yes. Study: VKGL Data-share Consensus.

GeneDx
Classification: Benign. Last evaluated: 2015-03-03. Review status: criteria provided, single submitter. Criteria: GeneDx Variant Classification Process June 2021. Collection method: clinical testing. Allele origin: germline. Affected: yes.
Comment: This variant is associated with the following publications: (PMID: 29724574, 26732803, 22560290)

Breakthrough Genomics
Classification: Likely benign. Review status: criteria provided, single submitter. Criteria: ACMG Guidelines, 2015. Collection method: not provided. Allele origin: germline. Inheritance: Autosomal recessive inheritance. Affected: yes.

Center for Forensic Mental Health, Chiba University
Classification: Benign for Schizophrenia. Review status: criteria provided, single submitter. Criteria: ACMG Guidelines, 2015. Collection method: case-control. Allele origin: germline. Affected: no.

PreventionGenetics, part of Exact Sciences
Classification: Benign. Review status: criteria provided, single submitter. Criteria: ACMG Guidelines, 2015. Collection method: clinical testing. Allele origin: germline.

Natera, Inc.
Classification: Benign for Autosomal recessive Segawa syndrome. Last evaluated: 2020-09-16. Review status: no assertion criteria provided. Collection method: clinical testing. Allele origin: germline. Not counted in ClinVar's aggregate classification.

Genome Diagnostics Laboratory, Amsterdam University Medical Center
Classification: Benign for TH-deficient dopa-responsive dystonia. Last evaluated: 2015-02-07. Review status: no assertion criteria provided. Criteria: ACGS Guidelines, 2013. Collection method: clinical testing. Allele origin: germline. Affected: yes. Study: VKGL Data-share Consensus. Not counted in ClinVar's aggregate classification.

GeneReviews
No classification provided. Condition: TH-deficient dopa-responsive dystonia. Review status: no classification provided. Collection method: literature only. Allele origin: unknown. Not counted in ClinVar's aggregate classification.

Joint Genome Diagnostic Labs from Nijmegen and Maastricht, Radboudumc and MUMC+
Classification: Benign. Review status: no assertion criteria provided. Collection method: clinical testing. Allele origin: germline. Affected: yes. Study: VKGL Data-share Consensus. Not counted in ClinVar's aggregate classification.

Literature cited by the submitters: PubMed 7789962 (cited by GeneReviews); PubMed 9754624 (cited by GeneReviews); PubMed 20301610 (cited by GeneReviews); NCBI Bookshelf NBK1437 (cited by GeneReviews).

NM_000360.4(TH):c.241G>A (p.Val81Met)

Gene: TH (tyrosine hydroxylase; minus strand). Cytogenetic location: 11p15.5.
Variant type: single nucleotide variant.
Coding change: c.241G>A on transcript NM_000360.4 (MANE Select); coding-DNA position 241, G replaced by A.
Protein change: p.Val81Met; replaces valine 81 with methionine.
Molecular consequence: missense variant.
Genome position (GRCh38, 1-based): chr11:2,169,721, C>T on the plus strand (G>A on the coding strand, the complement: TH is on the minus strand). VCF-style: chr11-2169721-C-T. GRCh37 (hg19) VCF-style: chr11-2190951-C-T.
Other names: c.334G>A, p.Val112Met (NM_199292.3); c.322G>A, p.Val108Met (NM_199293.3); short protein forms V112M, V81M, V108M.
Identifiers: ClinVar variation 21866 (VCV000021866.31), dbSNP rs6356, ClinGen allele CA342583.